The following is an entry in ClinVar:

ClinVar aggregate classification (germline): Uncertain significance (1 of 4 stars; one submission).

Submission:

Labcorp Genetics (formerly Invitae), Labcorp
Classification: Uncertain significance. Last evaluated: 2022-07-06. Review status: criteria provided, single submitter. Criteria: Invitae Variant Classification Sherloc (09022015). Collection method: clinical testing. Allele origin: germline.
Comment: This variant, c.50_52del, results in the deletion of 1 amino acid(s) of the SLC25A12 protein (p.Arg17del), but otherwise preserves the integrity of the reading frame. This variant is present in population databases (no rsID available, gnomAD 0.008%). This variant has not been reported in the literature in individuals affected with SLC25A12-related conditions. ClinVar contains an entry for this variant (Variation ID: 1494982). Experimental studies and prediction algorithms are not available or were not evaluated, and the functional significance of this variant is currently unknown. In summary, the available evidence is currently insufficient to determine the role of this variant in disease. Therefore, it has been classified as a Variant of Uncertain Significance.

NM_003705.5(SLC25A12):c.50_52del (p.Arg17del)

Gene: SLC25A12 (solute carrier family 25 member 12; minus strand). Cytogenetic location: 2q31.1.
Variant type: Deletion.
Coding change: c.50_52del on transcript NM_003705.5 (MANE Select); coding-DNA positions 50 to 52, 3 bases deleted (GAA; older notation c.50_52delGAA).
Protein change: p.Arg17del; deletes arginine 17.
Molecular consequence: inframe deletion. On other transcripts: non-coding transcript variant (1).
Genome position (GRCh38, 1-based): chr2:171,893,219-171,893,221, TTC deleted on the plus strand (GAA on the coding strand, the reverse complement: SLC25A12 is on the minus strand); deleting any 3 consecutive bases within chr2:171,893,219-171,893,223 gives the same sequence; the c. name uses the placement nearest the transcript's 3' end. VCF-style (leftmost placement, unchanged base first): chr2-171893218-TTTC-T. GRCh37 (hg19) VCF-style: chr2-172749728-TTTC-T.
Other names: short protein forms R17del.
Identifiers: ClinVar variation 1494982 (VCV001494982.6), dbSNP rs1276271285, ClinGen allele CA537823883.